The following is an entry in ClinVar:

NM_001387567.1(BTBD6):c.1462G>A (p.Val488Ile)

Genes: BTBD6 (BTB domain containing 6; plus strand), BRF1 (BRF1 general transcription factor IIIB subunit; minus strand). Cytogenetic location: 14q32.33.
Variant type: single nucleotide variant.
Coding change: c.1462G>A on transcript NM_001387567.1 (MANE Select); coding-DNA position 1462, G replaced by A.
Protein change: p.Val488Ile; replaces valine 488 with isoleucine.
Molecular consequence: missense variant. On other transcripts: intron variant (4).
Genome position (GRCh38, 1-based): chr14:105,250,517, G>A. VCF-style: chr14-105250517-G-A. GRCh37 (hg19) VCF-style: chr14-105716854-G-A.
Other names: c.1303G>A, p.Val435Ile (NM_033271.3); c.199+1990C>T (NM_001242787.2, NM_001242786.2); c.463+1990C>T (NM_001242788.2); c.544+1990C>T (NM_001519.4); short protein forms V435I, V488I.
Identifiers: ClinVar variation 2644913 (VCV002644913.24), dbSNP rs146426875, ClinGen allele CA7387996.

ClinVar aggregate classification (germline): Likely benign (1 of 4 stars; one submission).

Allele frequency attached by ClinVar (database versions not stated): 1000 Genomes Project 0.00160; ESP Exome Variant Server 0.00215; 1000 Genomes Project 30x 0.00219; gnomAD 0.00236; TOPMed 0.00260; ExAC 0.00308; gnomAD exomes 0.00341.
gnomAD v4.1: 5,468 of 1,614,072 alleles (0.34%); highest among the groups gnomAD compares: Middle Eastern, 1.1%; 32 homozygotes.

Submission:

CeGaT Center for Human Genetics Tuebingen
Classification: Likely benign. Last evaluated: 2025-09-01. Review status: criteria provided, single submitter. Criteria: CeGaT Center For Human Genetics Tuebingen Variant Classification Criteria Version 2. Collection method: clinical testing. Allele origin: germline. Affected: yes. Observed: 3 variant alleles.
Comment: BTBD6: BS2